The following is an entry in ClinVar:

ClinVar aggregate classification (germline): Likely benign. Review status: criteria provided, multiple submitters, no conflicts (2 of 4 stars). 2 submissions from 2 submitters: Likely benign (2). Last evaluated 2025-08-30.

Conditions:
Primary ciliary dyskinesia 28. Also called: CILIARY DYSKINESIA, PRIMARY, 28, WITH OR WITHOUT SITUS INVERSUS. Identifiers: Orphanet 244, MedGen C3809706, MONDO:0014216, OMIM 615505.

Allele frequency attached by ClinVar (database versions not stated): gnomAD exomes below 0.00001; TOPMed below 0.00001; gnomAD 0.00001.
gnomAD v4.1: 9 of 1,588,462 alleles (0.00057%); highest among the groups gnomAD compares: African/African-American, 0.0096%; no homozygotes.

Submissions (2):

Labcorp Genetics (formerly Invitae), Labcorp
Classification: Likely benign for Primary ciliary dyskinesia 28. Last evaluated: 2025-08-30. Review status: criteria provided, single submitter. Criteria: Invitae Variant Classification Sherloc (09022015). Collection method: clinical testing. Allele origin: germline.

CeGaT Center for Human Genetics Tuebingen
Classification: Likely benign. Last evaluated: 2024-11-01. Review status: criteria provided, single submitter. Criteria: CeGaT Center For Human Genetics Tuebingen Variant Classification Criteria Version 2. Collection method: clinical testing. Allele origin: germline. Affected: yes. Observed: 1 variant allele.
Comment: SPAG1: BP4, BP7

NM_003114.5(SPAG1):c.672T>C (p.Asp224=)

Gene: SPAG1 (sperm associated antigen 1; plus strand). Cytogenetic location: 8q22.2.
Variant type: single nucleotide variant.
Coding change: c.672T>C on transcript NM_003114.5 (MANE Select); coding-DNA position 672, T replaced by C.
Protein change: p.Asp224=; no amino-acid change (aspartic acid 224 retained).
Molecular consequence: synonymous variant.
Genome position (GRCh38, 1-based): chr8:100,184,704, T>C. VCF-style: chr8-100184704-T-C. GRCh37 (hg19) VCF-style: chr8-101196932-T-C.
Other names: c.672T>C, p.Asp224= (NM_172218.3, NM_001374321.1).
Identifiers: ClinVar variation 2734663 (VCV002734663.17), dbSNP rs1231184603, ClinGen allele CA462343126.